The following is an entry in ClinVar:

ClinVar aggregate classification (germline): Conflicting classifications of pathogenicity. Review status: criteria provided, conflicting classifications (1 of 4 stars). 4 submissions from 4 submitters: Uncertain significance (3); Likely benign (1). Last evaluated 2026-01-21.

Conditions:
Ullrich congenital muscular dystrophy 2 (UCMD2). Identifiers: Orphanet 75840, MedGen C4225314, MONDO:0014654, OMIM 616470.
Bethlem myopathy 2 (BTHLM2). Identifiers: Orphanet 536516, Orphanet 610, MedGen C4225313, MONDO:0034022, OMIM 616471.
Inborn genetic diseases. Identifiers: MedGen C0950123, MeSH D030342.

Allele frequency attached by ClinVar (database versions not stated): ExAC 0.00003; gnomAD 0.00001; TOPMed 0.00001; gnomAD exomes 0.00002.
gnomAD v4.1: 29 of 1,613,436 alleles (0.0018%); highest among the groups gnomAD compares: Middle Eastern, 0.016%; no homozygotes.

Submissions (4):

Labcorp Genetics (formerly Invitae), Labcorp
Classification: Likely benign for Bethlem myopathy 2; Ullrich congenital muscular dystrophy 2. Last evaluated: 2026-01-21. Review status: criteria provided, single submitter. Criteria: Invitae Variant Classification Sherloc (09022015). Collection method: clinical testing. Allele origin: germline.

Women's Health and Genetics/Laboratory Corporation of America, LabCorp
Classification: Uncertain significance. Last evaluated: 2025-05-13. Review status: criteria provided, single submitter. Criteria: LabCorp Variant Classification Summary - May 2015. Collection method: clinical testing. Allele origin: germline.
Comment: Variant summary: COL12A1 c.3670C>T (p.Arg1224Cys) results in a non-conservative amino acid change in the encoded protein sequence. Algorithms developed to predict the effect of missense changes on protein structure and function all suggest that this variant is likely to be disruptive. The variant allele was found at a frequency of 2.4e-05 in 249028 control chromosomes. The available data on variant occurrences in the general population are insufficient to allow any conclusion about variant significance. To our knowledge, no occurrence of c.3670C>T in individuals affected with Ullrich congenital muscular dystrophy 2 and no experimental evidence demonstrating its impact on protein function have been reported. ClinVar contains an entry for this variant (Variation ID: 578055). Based on the evidence outlined above, the variant was classified as uncertain significance.

GeneDx
Classification: Uncertain significance. Last evaluated: 2025-01-29. Review status: criteria provided, single submitter. Criteria: GeneDx Variant Classification Process June 2021. Collection method: clinical testing. Allele origin: germline.
Comment: Has not been previously published as pathogenic or benign to our knowledge; In silico analysis supports that this missense variant has a deleterious effect on protein structure/function

Ambry Genetics
Classification: Uncertain significance for Inborn genetic diseases. Last evaluated: 2024-03-07. Review status: criteria provided, single submitter. Criteria: Ambry Variant Classification Scheme 2023. Collection method: clinical testing. Allele origin: germline.

NM_004370.6(COL12A1):c.3670C>T (p.Arg1224Cys)

Gene: COL12A1 (collagen type XII alpha 1 chain; minus strand). Cytogenetic location: 6q13.
Variant type: single nucleotide variant.
Coding change: c.3670C>T on transcript NM_004370.6 (MANE Select); coding-DNA position 3670, C replaced by T.
Protein change: p.Arg1224Cys; replaces arginine 1224 with cysteine.
Molecular consequence: missense variant.
Genome position (GRCh38, 1-based): chr6:75,152,378, G>A on the plus strand (C>T on the coding strand, the complement: COL12A1 is on the minus strand). VCF-style: chr6-75152378-G-A. GRCh37 (hg19) VCF-style: chr6-75862094-G-A.
Other names: c.178C>T, p.Arg60Cys (NM_080645.3); short protein forms R1224C, R60C.
Identifiers: ClinVar variation 578055 (VCV000578055.13), dbSNP rs748277540, ClinGen allele CA3893654.